The following is an entry in ClinVar:

ClinVar aggregate classification (germline): Uncertain significance (1 of 4 stars; one submission).

Conditions:
Ullrich congenital muscular dystrophy 2 (UCMD2). Identifiers: Orphanet 75840, MedGen C4225314, MONDO:0014654, OMIM 616470.
Bethlem myopathy 2 (BTHLM2). Identifiers: Orphanet 536516, Orphanet 610, MedGen C4225313, MONDO:0034022, OMIM 616471.

Submission:

Labcorp Genetics (formerly Invitae), Labcorp
Classification: Uncertain significance for Bethlem myopathy 2; Ullrich congenital muscular dystrophy 2. Last evaluated: 2024-07-17. Review status: criteria provided, single submitter. Criteria: Invitae Variant Classification Sherloc (09022015). Collection method: clinical testing. Allele origin: germline.
Comment: This sequence change creates a premature translational stop signal (p.Gln774*) in the COL12A1 gene. While this is not anticipated to result in nonsense mediated decay, it is expected to disrupt the last 2290 amino acid(s) of the COL12A1 protein. This variant is not present in population databases (gnomAD no frequency). This variant has not been reported in the literature in individuals affected with COL12A1-related conditions. Experimental studies and prediction algorithms are not available or were not evaluated, and the functional significance of this variant is currently unknown. In summary, the available evidence is currently insufficient to determine the role of this variant in disease. Therefore, it has been classified as a Variant of Uncertain Significance.

NM_004370.6(COL12A1):c.2320C>T (p.Gln774Ter)

Gene: COL12A1 (collagen type XII alpha 1 chain; minus strand). Cytogenetic location: 6q13.
Variant type: single nucleotide variant.
Coding change: c.2320C>T on transcript NM_004370.6 (MANE Select); coding-DNA position 2320, C replaced by T.
Protein change: p.Gln774Ter; replaces glutamine 774 with a stop codon.
Molecular consequence: nonsense. On other transcripts: intron variant (2).
Genome position (GRCh38, 1-based): chr6:75,177,780, G>A on the plus strand (C>T on the coding strand, the complement: COL12A1 is on the minus strand). VCF-style: chr6-75177780-G-A. GRCh37 (hg19) VCF-style: chr6-75887496-G-A.
Other names: c.2320C>T, p.Gln774Ter (NM_001424113.1, NM_001424114.1, NM_001424115.1); c.73+24940C>T (NM_001424116.1, NM_080645.3); short protein forms Q774*.
Identifiers: ClinVar variation 3749448 (VCV003749448.2).
Genomic context (GRCh38, chr6:75,177,780, plus strand): 5'-GAATTACAGATACTTCATATTTCGTGTCTGGAATCAAGTTCTCCAGTGTTCTCCTCCTCT[G>A]ATTGGGTGGGGTGGTAACTTCTCTGCTCTCTCCACCAGCAACTGGTCTATATATAATTCG-3'